The following is an entry in ClinVar:

NM_024312.5(GNPTAB):c.1325G>A (p.Cys442Tyr)

Gene: GNPTAB (N-acetylglucosamine-1-phosphate transferase subunits alpha and beta; minus strand). Cytogenetic location: 12q23.2.
Variant type: single nucleotide variant.
Coding change: c.1325G>A on transcript NM_024312.5 (MANE Select); coding-DNA position 1325, G replaced by A.
Protein change: p.Cys442Tyr; replaces cysteine 442 with tyrosine.
Molecular consequence: missense variant.
Genome position (GRCh38, 1-based): chr12:101,768,120, C>T on the plus strand (G>A on the coding strand, the complement: GNPTAB is on the minus strand). VCF-style: chr12-101768120-C-T. GRCh37 (hg19) VCF-style: chr12-102161898-C-T.
Other names: short protein forms C442Y.
Identifiers: ClinVar variation 39029 (VCV000039029.12), dbSNP rs281864975, ClinGen allele CA343343.

ClinVar aggregate classification (germline): Uncertain significance. Review status: criteria provided, multiple submitters, no conflicts (2 of 4 stars). 3 submissions from 3 submitters: Uncertain significance (2). 1 of the submissions does not count toward it. Last evaluated 2024-06-17.

Conditions:
Mucolipidosis type II. Also called: Mucolipidosis 2; ML 2; Inclusion cell disease; Leroy Disease; N-acetylglucosamine 1phosphotransferase deficiency; ML disorder type 2. Identifiers: Orphanet 576, MedGen C2673377, MONDO:0009650, OMIM 252500.
Pseudo-Hurler polydystrophy. Also called: Type III Mucolipidosis; ML IIIA; Mucolipidosis III Alpha/Beta; MUCOLIPIDOSIS IIIA; ML III; ML III ALPHA/BETA. Identifiers: Orphanet 423461, Orphanet 577, MedGen C0033788, MONDO:0018931, OMIM 252600.

Submissions (3):

Women's Health and Genetics/Laboratory Corporation of America, LabCorp
Classification: Uncertain significance. Last evaluated: 2024-06-17. Review status: criteria provided, single submitter. Criteria: LabCorp Variant Classification Summary - May 2015. Collection method: clinical testing. Allele origin: germline.
Comment: Variant summary: GNPTAB c.1325G>A (p.Cys442Tyr) results in a non-conservative amino acid change located in the Notch domain (IPR000800) of the encoded protein sequence. Five of five in-silico tools predict a damaging effect of the variant on protein function. The variant was absent in 251356 control chromosomes (gnomAD). c.1325G>A has been reported in the literature in individuals affected with Mucolipidosis (e.g. Tappino_2009, Barbosa-Gouveia_2021). These data indicate that the variant may be associated with disease. At least one publication reports experimental evidence evaluating an impact on protein function, finding that the variant results in normal phosphorylation activity towards alpha-methyl D-mannoside but reduced activity towards alpha-iduronidase (Qian_2015). The following publications have been ascertained in the context of this evaluation (PMID: 19634183, 25505245, 34440436). ClinVar contains an entry for this variant (Variation ID: 39029). Based on the evidence outlined above, the variant was classified as VUS-possibly pathogenic.

Labcorp Genetics (formerly Invitae), Labcorp
Classification: Uncertain significance for Pseudo-Hurler polydystrophy; Mucolipidosis type II. Last evaluated: 2023-07-03. Review status: criteria provided, single submitter. Criteria: Invitae Variant Classification Sherloc (09022015). Collection method: clinical testing. Allele origin: germline.
Comment: In summary, the available evidence is currently insufficient to determine the role of this variant in disease. Therefore, it has been classified as a Variant of Uncertain Significance. Experimental studies have shown that this missense change affects GNPTAB function (PMID: 25505245). Advanced modeling of protein sequence and biophysical properties (such as structural, functional, and spatial information, amino acid conservation, physicochemical variation, residue mobility, and thermodynamic stability) performed at Invitae indicates that this missense variant is expected to disrupt GNPTAB protein function. ClinVar contains an entry for this variant (Variation ID: 39029). This missense change has been observed in individual(s) with GNPTAB-related symptoms (PMID: 19634183, 34440436). This variant is not present in population databases (gnomAD no frequency). This sequence change replaces cysteine, which is neutral and slightly polar, with tyrosine, which is neutral and polar, at codon 442 of the GNPTAB protein (p.Cys442Tyr).

GeneReviews
No classification provided. Condition: Pseudo-Hurler polydystrophy. Review status: no classification provided. Collection method: literature only. Allele origin: unknown. Not counted in ClinVar's aggregate classification.

Literature cited by the submitters: PubMed 19634183 (cited by 3 submitters); PubMed 34440436 (cited by Women's Health and Genetics/Laboratory Corporation of America, LabCorp and Labcorp Genetics (formerly Invitae), Labcorp); PubMed 25505245 (cited by Women's Health and Genetics/Laboratory Corporation of America, LabCorp and Labcorp Genetics (formerly Invitae), Labcorp); PubMed 20301728 (cited by GeneReviews); NCBI Bookshelf NBK1828 (cited by GeneReviews).